The following is an entry in ClinVar:

ClinVar aggregate classification (germline): Uncertain significance (1 of 4 stars; one submission).

Conditions:
Treacher Collins syndrome 1 (TCS1). Also called: TCOF1-Related Treacher Collins Syndrome. Identifiers: Orphanet 861, MedGen CN315775, MONDO:0007944, OMIM 154500.

gnomAD v4.1: 8 of 1,614,232 alleles (0.0005%); highest among the groups gnomAD compares: South Asian, 0.0088%; no homozygotes.

Submission:

Labcorp Genetics (formerly Invitae), Labcorp
Classification: Uncertain significance for Treacher Collins syndrome 1. Last evaluated: 2025-08-13. Review status: criteria provided, single submitter. Criteria: Invitae Variant Classification Sherloc (09022015). Collection method: clinical testing. Allele origin: germline.
Comment: This sequence change replaces valine, which is neutral and non-polar, with phenylalanine, which is neutral and non-polar, at codon 597 of the TCOF1 protein (p.Val597Phe). This variant is present in population databases (rs147742838, gnomAD 0.01%). This variant has not been reported in the literature in individuals affected with TCOF1-related conditions. Invitae Evidence Modeling of protein sequence and biophysical properties (such as structural, functional, and spatial information, amino acid conservation, physicochemical variation, residue mobility, and thermodynamic stability) indicates that this missense variant is not expected to disrupt TCOF1 protein function with a negative predictive value of 80%. In summary, the available evidence is currently insufficient to determine the role of this variant in disease. Therefore, it has been classified as a Variant of Uncertain Significance.

NM_001371623.1(TCOF1):c.1789G>T (p.Val597Phe)

Gene: TCOF1 (treacle ribosome biogenesis factor 1; plus strand). Cytogenetic location: 5q32.
Variant type: single nucleotide variant.
Coding change: c.1789G>T on transcript NM_001371623.1 (MANE Select); coding-DNA position 1789, G replaced by T.
Protein change: p.Val597Phe; replaces valine 597 with phenylalanine.
Molecular consequence: missense variant.
Genome position (GRCh38, 1-based): chr5:150,375,805, G>T. VCF-style: chr5-150375805-G-T. GRCh37 (hg19) VCF-style: chr5-149755368-G-T.
Other names: c.1558G>T, p.Val520Phe (NM_000356.4, NM_001135245.2, NM_001437406.1); c.1789G>T, p.Val597Phe (NM_001008657.3, NM_001135243.2, NM_001135244.2 and 1 more transcripts); short protein forms V597F, V520F.
Identifiers: ClinVar variation 4743928 (VCV004743928.1).
Genomic context (GRCh38, chr5:150,375,805, plus strand): 5'-CAGGCCAAACCCACCTCCAGTCCTGCCAAGGGGCCCCCTCAGAAGGCAGGGCCTGTAGCC[G>T]TCCAGGTCAAGGCTGAAAAGCCCATGGACAACTCGGAGAGCAGCGAGGAGTCATCGGACA-3'
Protein context (NP_001358552.1, residues 587-607): GPPQKAGPVA[Val597Phe]QVKAEKPMDN